The following is an entry in ClinVar:

ClinVar aggregate classification (germline): Uncertain significance (1 of 4 stars; one submission).

Conditions:
Dilated cardiomyopathy 1JJ (CMD1JJ). Identifiers: Orphanet 154, MedGen C3808935, MONDO:0014095, OMIM 615235.

Allele frequency attached by ClinVar (database versions not stated): gnomAD exomes 0.00001.
gnomAD v4.1: 16 of 1,613,508 alleles (0.00099%); highest among the groups gnomAD compares: Non-Finnish European, 0.0014%; no homozygotes.

Submission:

Labcorp Genetics (formerly Invitae), Labcorp
Classification: Uncertain significance for Dilated cardiomyopathy 1JJ. Last evaluated: 2022-05-02. Review status: criteria provided, single submitter. Criteria: Invitae Variant Classification Sherloc (09022015). Collection method: clinical testing. Allele origin: germline.
Comment: Algorithms developed to predict the effect of missense changes on protein structure and function are either unavailable or do not agree on the potential impact of this missense change (SIFT: "Deleterious"; PolyPhen-2: "Probably Damaging"; Align-GVGD: "Class C0"). In summary, the available evidence is currently insufficient to determine the role of this variant in disease. Therefore, it has been classified as a Variant of Uncertain Significance. This variant has not been reported in the literature in individuals affected with LAMA4-related conditions. This sequence change replaces serine, which is neutral and polar, with glycine, which is neutral and non-polar, at codon 1673 of the LAMA4 protein (p.Ser1673Gly). This variant is not present in population databases (gnomAD no frequency).

NM_001105206.3(LAMA4):c.5038A>G (p.Ser1680Gly)

Gene: LAMA4 (laminin subunit alpha 4; minus strand). Cytogenetic location: 6q21.
Variant type: single nucleotide variant.
Coding change: c.5038A>G on transcript NM_001105206.3 (MANE Select); coding-DNA position 5038, A replaced by G.
Protein change: p.Ser1680Gly; replaces serine 1680 with glycine.
Molecular consequence: missense variant.
Genome position (GRCh38, 1-based): chr6:112,115,937, T>C on the plus strand (A>G on the coding strand, the complement: LAMA4 is on the minus strand). VCF-style: chr6-112115937-T-C. GRCh37 (hg19) VCF-style: chr6-112437140-T-C.
Other names: c.5017A>G, p.Ser1673Gly (NM_001105207.3, NM_002290.5); short protein forms S1673G, S1680G.
Identifiers: ClinVar variation 1969806 (VCV001969806.5), dbSNP rs1020261317, ClinGen allele CA144878022.